The following is an entry in ClinVar:

ClinVar aggregate classification (germline): Conflicting classifications of pathogenicity. Review status: criteria provided, conflicting classifications (1 of 4 stars). 3 submissions from 3 submitters: Uncertain significance (1); Likely benign (1). 1 of the submissions does not count toward it. Last evaluated 2024-02-14.

Conditions:
COL6A3-related disorder. Also called: COL6A3-related condition; COL6A3-related disorders.
Bethlem myopathy 1A. Also called: Bethlem myopathy 1; MYOPATHY, BENIGN CONGENITAL, WITH CONTRACTURES; Bethlem Muscular Dystrophy. Identifiers: Orphanet 610, MedGen CN029274, MONDO:0024530, OMIM 158810.

Allele frequency attached by ClinVar (database versions not stated): gnomAD exomes below 0.00001 and 0.00001; ExAC 0.00001; gnomAD 0.00001.
gnomAD v4.1: 10 of 1,614,136 alleles (0.00062%); highest among the groups gnomAD compares: Non-Finnish European, 0.00085%; no homozygotes.

Submissions (3):

Labcorp Genetics (formerly Invitae), Labcorp
Classification: Likely benign for Bethlem myopathy 1A. Last evaluated: 2024-02-14. Review status: criteria provided, single submitter. Criteria: Invitae Variant Classification Sherloc (09022015). Collection method: clinical testing. Allele origin: germline.

Eurofins Ntd Llc (ga)
Classification: Uncertain significance. Last evaluated: 2015-10-07. Review status: criteria provided, single submitter. Criteria: EGL Classification Definitions 2015. Collection method: clinical testing. Allele origin: germline. Observed: 1 variant allele, 1 heterozygote.

PreventionGenetics, part of Exact Sciences
Classification: Likely benign for COL6A3-related condition. Last evaluated: 2023-09-01. Review status: no assertion criteria provided. Collection method: clinical testing. Allele origin: germline. Not counted in ClinVar's aggregate classification.
Comment: This variant is classified as likely benign based on ACMG/AMP sequence variant interpretation guidelines (Richards et al. 2015 PMID: 25741868, with internal and published modifications).

NM_004369.4(COL6A3):c.8256G>A (p.Leu2752=)

Gene: COL6A3 (collagen type VI alpha 3 chain; minus strand). Cytogenetic location: 2q37.3.
Variant type: single nucleotide variant.
Coding change: c.8256G>A on transcript NM_004369.4 (MANE Select); coding-DNA position 8256, G replaced by A.
Protein change: p.Leu2752=; no amino-acid change (leucine 2752 retained).
Molecular consequence: synonymous variant.
Genome position (GRCh38, 1-based): chr2:237,340,660, C>T on the plus strand (G>A on the coding strand, the complement: COL6A3 is on the minus strand). VCF-style: chr2-237340660-C-T. GRCh37 (hg19) VCF-style: chr2-238249303-C-T.
Other names: c.6435G>A, p.Leu2145= (NM_057166.5); c.7638G>A, p.Leu2546= (NM_057167.4); c.8256G>A (NM_004369.3).
Identifiers: ClinVar variation 283994 (VCV000283994.14), dbSNP rs769124771, ClinGen allele CA2187589.